The following is an entry in ClinVar:

ClinVar aggregate classification (germline): Uncertain significance. Review status: criteria provided, single submitter (1 of 4 stars). 2 submissions from 2 submitters: Uncertain significance (1). 1 of the submissions does not count toward it. Last evaluated 2025-12-21.

Conditions:
Glycogen storage disease, type II (IOPD). Also called: Glucosidase acid-1,4-alpha deficiency; Pompe Disease; GLYCOGENOSIS, GENERALIZED, CARDIAC FORM; GSD II; POMPE DISEASE, INFANTILE-ONSET; GLYCOGEN STORAGE DISEASE II, INFANTILE-ONSET. Identifiers: Orphanet 365, MedGen C0017921, MONDO:0009290, OMIM 232300.

Allele frequency attached by ClinVar (database versions not stated): gnomAD exomes below 0.00001; gnomAD 0.00001.
gnomAD v4.1: 2 of 1,581,706 alleles (0.00013%); highest among the groups gnomAD compares: African/African-American, 0.0027%; no homozygotes.

Submissions (2):

Labcorp Genetics (formerly Invitae), Labcorp
Classification: Uncertain significance for Glycogen storage disease, type II. Last evaluated: 2025-12-21. Review status: criteria provided, single submitter. Criteria: Invitae Variant Classification Sherloc (09022015). Collection method: clinical testing. Allele origin: germline.
Comment: This sequence change replaces leucine, which is neutral and non-polar, with phenylalanine, which is neutral and non-polar, at codon 727 of the GAA protein (p.Leu727Phe). This variant is present in population databases (no rsID available, gnomAD 0.005%). This missense change has been observed in individual(s) with GAA-related conditions (PMID: 39678382). ClinVar contains an entry for this variant (Variation ID: 577414). Invitae Evidence Modeling of protein sequence and biophysical properties (such as structural, functional, and spatial information, amino acid conservation, physicochemical variation, residue mobility, and thermodynamic stability) indicates that this missense variant is expected to disrupt GAA protein function with a positive predictive value of 95%. In summary, the available evidence is currently insufficient to determine the role of this variant in disease. Therefore, it has been classified as a Variant of Uncertain Significance.

Natera, Inc.
Classification: Uncertain significance for Glycogen storage disease type II. Last evaluated: 2020-02-26. Review status: no assertion criteria provided. Collection method: clinical testing. Allele origin: germline. Not counted in ClinVar's aggregate classification.

Literature cited by the submitters: PubMed 39678382 (cited by Labcorp Genetics (formerly Invitae), Labcorp).

NM_000152.5(GAA):c.2179C>T (p.Leu727Phe)

Gene: GAA (alpha glucosidase; plus strand). Cytogenetic location: 17q25.3.
Variant type: single nucleotide variant.
Coding change: c.2179C>T on transcript NM_000152.5 (MANE Select); coding-DNA position 2179, C replaced by T.
Protein change: p.Leu727Phe; replaces leucine 727 with phenylalanine.
Molecular consequence: missense variant.
Genome position (GRCh38, 1-based): chr17:80,113,356, C>T. VCF-style: chr17-80113356-C-T. GRCh37 (hg19) VCF-style: chr17-78087155-C-T.
Other names: c.2179C>T (LRG_673t1); c.2179C>T, p.Leu727Phe (NM_001079803.3, NM_001079804.3); short protein forms L727F.
Identifiers: ClinVar variation 577414 (VCV000577414.12), dbSNP rs1290010789, ClinGen allele CA401370644.